The following is an entry in ClinVar:

NM_033380.3(COL4A5):c.6dup (p.Leu3fs)

Gene: COL4A5 (collagen type IV alpha 5 chain; plus strand). Cytogenetic location: Xq22.3.
Variant type: Duplication.
Coding change: c.6dup on transcript NM_033380.3 (MANE Select); coding-DNA position 6, one base duplicated (A; older notation c.6dupA).
Protein change: p.Leu3fs; shifts the reading frame from leucine 3.
Molecular consequence: frameshift variant.
Genome position (GRCh38, 1-based): chrX:108,440,131, A duplicated; the last of 3 consecutive A bases (chrX:108,440,129-108,440,131); duplicating any one gives the same sequence. VCF-style (leftmost placement, unchanged base first): chrX-108440128-G-GA. GRCh37 (hg19) VCF-style: chrX-107683358-G-GA.
Other names: c.6dup, p.Leu3fs (NM_000495.5); short protein forms L3fs.
Identifiers: ClinVar variation 3236264 (VCV003236264.1), dbSNP rs2523832541, ClinGen allele CA2825002916.
Genomic context (GRCh38, chrX:108,440,128, plus strand): 5'-TTAGAGCCAGCCGGGAATTTCGTGCGGGTGCTGAAGGAGCTGCGGGAGCCGGAGAAGAAT[G>GA]AAACTGCGTGGAGTCAGCCTGGCTGCCGGCTTGTTCTTACTGGCCCTGAGTCTTTGGGGG-3'

ClinVar aggregate classification (germline): Pathogenic (1 of 4 stars; one submission).

Conditions:
X-linked Alport syndrome (ATS1). Also called: COL4A5-Related Nephropathy; NEPHROPATHY AND DEAFNESS, X-LINKED. Identifiers: Orphanet 63, Orphanet 88917, MedGen C4746986, MONDO:0010520, OMIM 301050.

Submission:

MVZ Medizinische Genetik Mainz
Classification: Pathogenic for X-linked Alport syndrome. Last evaluated: 2024-02-21. Review status: criteria provided, single submitter. Criteria: UK Practice Guidelines For Variant Classification V4 01 2020. Collection method: clinical testing. Allele origin: germline. Inheritance: X-linked dominant inheritance. Affected: yes. Observed: 1 variant allele.
Comment: ACMG Criteria: PVS1,PM2_SUP,PP4